The following is an entry in ClinVar:

NM_002878.4(RAD51D):c.94_95del (p.Val32fs)

Genes: RAD51D (RAD51 paralog D; minus strand), RAD51L3-RFFL (RAD51L3-RFFL readthrough; minus strand). Cytogenetic location: 17q12.
Variant type: Deletion.
Coding change: c.94_95del on transcript NM_002878.4 (MANE Select); coding-DNA positions 94 to 95, 2 bases deleted (GT; older notation c.94_95delGT).
Protein change: p.Val32fs; shifts the reading frame from valine 32.
Molecular consequence: frameshift variant. On other transcripts: non-coding transcript variant (2).
Genome position (GRCh38, 1-based): chr17:35,119,160-35,119,161, AC deleted on the plus strand (GT on the coding strand, the reverse complement: RAD51D is on the minus strand). VCF-style (leftmost placement, unchanged base first): chr17-35119159-AAC-A. GRCh37 (hg19) VCF-style: chr17-33446178-AAC-A.
Other names: c.94_95delGT (NM_002878.3, NM_002878.4); c.94_95del, p.Val32fs (NM_001142571.2, NM_133629.3); short protein forms V32fs.
Identifiers: ClinVar variation 186680 (VCV000186680.33), dbSNP rs786203137, ClinGen allele CA195552.
Genomic context (GRCh38, chr17:35,119,159, plus strand): 5'-TCAGGAGCTCACCTTGTAAGACAAGCCACATTTCTGAGCTACCTCTTCCAGGTCTGCAGA[AAC>A]CAGGTCCACCACTGAAAACAAAACACGTATAGCGGATTGGCAGAGAGGACTGGGGCCTCC-3'

ClinVar aggregate classification (germline): Pathogenic/Likely pathogenic. Review status: criteria provided, multiple submitters, no conflicts (2 of 4 stars). 14 submissions from 14 submitters: Pathogenic (11); Likely pathogenic (2). 1 of the submissions does not count toward it. Last evaluated 2026-04-24.

Conditions:
RAD51D-related disorder. Also called: RAD51D-related condition.
Hereditary cancer-predisposing syndrome. Also called: Tumor predisposition; Neoplastic Syndromes, Hereditary; Hereditary neoplastic syndrome; Hereditary Cancer Syndrome. Identifiers: Orphanet 140162, MedGen C0027672, MeSH D009386, MONDO:0015356.
Hereditary breast ovarian cancer syndrome. Also called: Hereditary breast and ovarian cancer syndrome; Hereditary breast and ovarian cancer syndrome (HBOC); Hereditary breast and ovarian cancer; Breast and ovarian cancer; BRCA1- and BRCA2-Associated Hereditary Breast and Ovarian Cancer; Hereditary breast and/or ovarian cancer syndrome. Identifiers: Orphanet 145, MedGen C0677776, MeSH D061325, MONDO:0003582. Disease mechanism: loss of function.
Breast-ovarian cancer, familial, susceptibility to, 4. Identifiers: Orphanet 145, MedGen C3280345, MONDO:0013669, OMIM 614291.

Allele frequency attached by ClinVar (database versions not stated): gnomAD exomes below 0.00001.

Submissions (14):

Women's Health and Genetics/Laboratory Corporation of America, LabCorp
Classification: Pathogenic for Hereditary breast ovarian cancer syndrome. Last evaluated: 2026-04-24. Review status: criteria provided, single submitter. Criteria: LabCorp Variant Classification Summary - May 2015. Collection method: clinical testing. Allele origin: germline.
Comment: Variant summary: RAD51D c.94_95delGT (p.Val32PhefsX38) results in a premature termination codon, predicted to cause a truncation of the encoded protein or absence of the protein due to nonsense mediated decay, which are commonly known mechanisms for disease. The variant allele was found at a frequency of 4e-06 in 251462 control chromosomes. c.94_95delGT has been observed in multiple individuals affected with Hereditary Breast and Ovarian Cancer Syndrome (e.g. Sanabria-Salas_2025, Tavera-Tapia_2016). These data indicate that the variant is likely to be associated with disease. To our knowledge, no experimental evidence demonstrating an impact on protein function has been reported. The following publications have been ascertained in the context of this evaluation (PMID: 40065011, 27913932). ClinVar contains an entry for this variant (Variation ID: 186680). Based on the evidence outlined above, the variant was classified as pathogenic.

Labcorp Genetics (formerly Invitae), Labcorp
Classification: Pathogenic for Breast-ovarian cancer, familial, susceptibility to, 4. Last evaluated: 2026-01-19. Review status: criteria provided, single submitter. Criteria: Invitae Variant Classification Sherloc (09022015). Collection method: clinical testing. Allele origin: germline.
Comment: This sequence change creates a premature translational stop signal (p.Val32Phefs*38) in the RAD51D gene. It is expected to result in an absent or disrupted protein product. Loss-of-function variants in RAD51D are known to be pathogenic (PMID: 21822267). This variant is present in population databases (rs786203137, gnomAD 0.003%). This premature translational stop signal has been observed in individual(s) with breast cancer (PMID: 27913932). ClinVar contains an entry for this variant (Variation ID: 186680). For these reasons, this variant has been classified as Pathogenic.

Laboratorio de I+D, Fundación Centro Médico de Asturias
Classification: Likely pathogenic for Hereditary breast ovarian cancer syndrome. Last evaluated: 2025-07-17. Review status: criteria provided, single submitter. Criteria: ACMG Guidelines, 2015. Collection method: clinical testing. Allele origin: germline. Affected: yes.
Comment: PVS1+PM2_Supporting

Greenwood Genetic Center Diagnostic Laboratories, Greenwood Genetic Center
Classification: Likely pathogenic for Breast-ovarian cancer, familial, susceptibility to, 4. Last evaluated: 2025-05-20. Review status: criteria provided, single submitter. Criteria: ACMG Guidelines, 2015. Collection method: clinical testing. Allele origin: germline.
Comment: PVS1, PM2

GeneDx
Classification: Pathogenic. Last evaluated: 2025-02-25. Review status: criteria provided, single submitter. Criteria: GeneDx Variant Classification Process June 2021. Collection method: clinical testing. Allele origin: germline. Affected: yes.
Comment: Frameshift variant predicted to result in protein truncation or nonsense mediated decay in a gene for which loss of function is a known mechanism of disease; Published functional studies demonstrate that the variant showed differing HRD activity levels in breast or ovarian tumor samples (PMID: 38648056); Not observed at significant frequency in large population cohorts (gnomAD); Observed in individuals with a personal or family history consistent with pathogenic variants in this gene referred for genetic testing at GeneDx and in published literature (PMID: 30306255, 28888541, 27913932, 32756499, 38648056); This variant is associated with the following publications: (PMID: 27913932, 30306255, 31589614, 32359370, 28888541, 36685941, 32756499, Sanabria-Salas2024[preprint], 38648056)

Hereditary Cancer Laboratory, Hospital Universitario 12 de Octubre
Classification: Pathogenic for Hereditary cancer-predisposing syndrome. Last evaluated: 2025-02-02. Review status: criteria provided, single submitter. Criteria: ACMG Guidelines, 2015. Collection method: clinical testing. Allele origin: germline.
Comment: PVS1 + PM2 + PP5

Ambry Genetics
Classification: Pathogenic for Hereditary cancer-predisposing syndrome. Last evaluated: 2023-10-10. Review status: criteria provided, single submitter. Criteria: Ambry Variant Classification Scheme 2023. Collection method: clinical testing. Allele origin: germline.
Comment: The c.94_95delGT pathogenic mutation, located in coding exon 2 of the RAD51D gene, results from a deletion of two nucleotides at nucleotide positions 94 to 95, causing a translational frameshift with a predicted alternate stop codon (p.V32Ffs*38). This alteration has been observed in multiple individuals and families with high risk breast and ovarian cancer (Tavera-Tapia A et al. Breast Cancer Res Treat, 2017 02;161:597-604; Bonache S et al. J Cancer Res Clin Oncol, 2018 Dec;144:2495-2513; Suszynska M et al. J Ovarian Res, 2020 May;13:50; Vel&aacute;zquez C et al. Cancers (Basel), 2020 Aug;12) This variant is considered to be rare based on population cohorts in the Genome Aggregation Database (gnomAD). This alteration is expected to result in loss of function by premature protein truncation or nonsense-mediated mRNA decay. As such, this alteration is interpreted as a disease-causing mutation.

Color Diagnostics, LLC DBA Color Health
Classification: Pathogenic for Hereditary cancer-predisposing syndrome. Last evaluated: 2023-08-31. Review status: criteria provided, single submitter. Criteria: ACMG Guidelines, 2015. Collection method: clinical testing. Allele origin: germline.
Comment: This variant deletes 2 nucleotides in exon 2 of the RAD51D gene, creating a frameshift and premature translation stop signal. This variant is expected to result in an absent or non-functional protein product. This variant has been reported in an individual affected with breast and ovarian cancer and a suspected hereditary breast and ovarian cancer family (PMID: 27913932, 30306255). This variant has been identified in 1/251462 chromosomes in the general population by the Genome Aggregation Database (gnomAD). Loss of RAD51D function is a known mechanism of disease. Based on the available evidence, this variant is classified as Pathogenic.

Baylor Genetics
Classification: Pathogenic for Breast-ovarian cancer, familial, susceptibility to, 4. Last evaluated: 2023-07-01. Review status: criteria provided, single submitter. Criteria: ACMG Guidelines, 2015. Collection method: clinical testing. Allele origin: unknown.

Neuberg Centre For Genomic Medicine, NCGM
Classification: Pathogenic for Breast-ovarian cancer, familial, susceptibility to, 4. Last evaluated: 2023-06-22. Review status: criteria provided, single submitter. Criteria: ACMG Guidelines, 2015. Collection method: clinical testing. Allele origin: germline. Inheritance: Autosomal dominant inheritance. Affected: yes.
Comment: The frameshift variant c.94_95del(p.Val32PhefsTer38) in RAD51D gene has been has been observed in individual(s) with RAD51D associated cancer (Suszynska et. al., 2020). The observed variant has allele frequency of 0.0004% in gnomAD exomes database. This variant has been submitted to the ClinVar database as Likely Pathogenic / Pathogenic (multiple submitters). This variant causes a frameshift starting with codon Valine 32, changes this amino acid to Phenylalanine residue, and creates a premature Stop codon at position 38 of the new reading frame, denoted p.Val32PhefsTer38. This sequence change creates a premature translational stop signal (p.Val32Phefs*38) in the RAD51D gene. It is expected to result in an absent or disrupted protein product. Loss-of-function variants in RAD51D are known to be pathogenic (Loveday et. al., 2011). For these reasons, this variant has been classified as Pathogenic.

Myriad Genetics, Inc.
Classification: Pathogenic for Breast-ovarian cancer, familial, susceptibility to, 4. Last evaluated: 2023-04-06. Review status: criteria provided, single submitter. Criteria: Myriad Autosomal Dominant, Autosomal Recessive and X-Linked Classification Criteria (2023). Collection method: clinical testing. Allele origin: unknown.
Comment: This variant is considered pathogenic. This variant creates a frameshift predicted to result in premature protein truncation.

Quest Diagnostics Nichols Institute San Juan Capistrano
Classification: Pathogenic. Last evaluated: 2022-10-29. Review status: criteria provided, single submitter. Criteria: Quest Diagnostics criteria. Collection method: clinical testing. Allele origin: unknown.
Comment: This frameshift variant alters the translational reading frame of the RAD51D mRNA and causes the premature termination of RAD51D protein synthesis. The frequency of this variant in the general population, 0.000004 (1/251462 chromosomes), is consistent with pathogenicity. In the published literature, the variant has been reported in individuals with breast and/or ovarian cancer (PMIDs: 32756499 (2020), 30306255 (2018), 28888541 (2017), and 27913932 (2017)). Based on the available information, this variant is classified as pathogenic.

Blueprint Genetics
Classification: Pathogenic for RAD51D-related disorders. Last evaluated: 2022-06-10. Review status: criteria provided, single submitter. Criteria: ACMG Guidelines, 2015. Collection method: clinical testing. Allele origin: germline. Affected: yes. Observed: 1 variant allele.

Counsyl
Classification: Likely pathogenic for Breast-ovarian cancer, familial, susceptibility to, 4. Last evaluated: 2017-03-08. Review status: no assertion criteria provided. Collection method: clinical testing. Allele origin: unknown. Not counted in ClinVar's aggregate classification.

Literature cited by the submitters: PubMed 27913932 (cited by 6 submitters); PubMed 40065011 (cited by Women's Health and Genetics/Laboratory Corporation of America, LabCorp); PubMed 21822267 (cited by Labcorp Genetics (formerly Invitae), Labcorp); PubMed 30306255 (cited by 3 submitters); PubMed 32359370 (cited by Ambry Genetics and Quest Diagnostics Nichols Institute San Juan Capistrano); PubMed 32756499 (cited by Ambry Genetics and Quest Diagnostics Nichols Institute San Juan Capistrano); PubMed 28888541 (cited by Quest Diagnostics Nichols Institute San Juan Capistrano); PubMed 31589614 (cited by Quest Diagnostics Nichols Institute San Juan Capistrano).